The following is an entry in ClinVar:

ClinVar aggregate classification (germline): Uncertain significance. Review status: criteria provided, multiple submitters, no conflicts (2 of 4 stars). 2 submissions from 2 submitters: Uncertain significance (2). Last evaluated 2025-09-29.

Conditions:
Autosomal dominant Parkinson disease 8. Also called: LRRK2-Related Parkinson Disease; Parkinson disease 8; Parkinson disease 8, susceptibility to. Identifiers: Orphanet 411602, MedGen C1846862, MONDO:0011764, OMIM 607060.
Inborn genetic diseases. Identifiers: MedGen C0950123, MeSH D030342.

Submissions (2):

Labcorp Genetics (formerly Invitae), Labcorp
Classification: Uncertain significance for Autosomal dominant Parkinson disease 8. Last evaluated: 2025-09-29. Review status: criteria provided, single submitter. Criteria: Invitae Variant Classification Sherloc (09022015). Collection method: clinical testing. Allele origin: germline.
Comment: This sequence change replaces lysine, which is basic and polar, with arginine, which is basic and polar, at codon 2116 of the LRRK2 protein (p.Lys2116Arg). This variant is not present in population databases (gnomAD no frequency). This variant has not been reported in the literature in individuals affected with LRRK2-related conditions. ClinVar contains an entry for this variant (Variation ID: 649401). Invitae Evidence Modeling of protein sequence and biophysical properties (such as structural, functional, and spatial information, amino acid conservation, physicochemical variation, residue mobility, and thermodynamic stability) has been performed for this missense variant. However, the output from this modeling did not meet the statistical confidence thresholds required to predict the impact of this variant on LRRK2 protein function. In summary, the available evidence is currently insufficient to determine the role of this variant in disease. Therefore, it has been classified as a Variant of Uncertain Significance.

Ambry Genetics
Classification: Uncertain significance for Inborn genetic diseases. Last evaluated: 2023-11-10. Review status: criteria provided, single submitter. Criteria: Ambry Variant Classification Scheme 2023. Collection method: clinical testing. Allele origin: germline.
Comment: The p.K2116R variant (also known as c.6347A>G), located in coding exon 43 of the LRRK2 gene, results from an A to G substitution at nucleotide position 6347. The lysine at codon 2116 is replaced by arginine, an amino acid with highly similar properties. This amino acid position is conserved. In addition, this alteration is predicted to be tolerated by in silico analysis. Since supporting evidence is limited at this time, the clinical significance of this alteration remains unclear.

NM_198578.4(LRRK2):c.6347A>G (p.Lys2116Arg)

Gene: LRRK2 (leucine rich repeat kinase 2; plus strand). Cytogenetic location: 12q12.
Variant type: single nucleotide variant.
Coding change: c.6347A>G on transcript NM_198578.4 (MANE Select); coding-DNA position 6347, A replaced by G.
Protein change: p.Lys2116Arg; replaces lysine 2116 with arginine.
Molecular consequence: missense variant.
Genome position (GRCh38, 1-based): chr12:40,348,475, A>G. VCF-style: chr12-40348475-A-G. GRCh37 (hg19) VCF-style: chr12-40742277-A-G.
Other names: short protein forms K2116R.
Identifiers: ClinVar variation 649401 (VCV000649401.10), dbSNP rs1592321778, ClinGen allele CA384406205.